The following is an entry in ClinVar:

ClinVar aggregate classification (germline): Uncertain significance (1 of 4 stars; one submission).

Conditions:
Familial focal epilepsy with variable foci (FPEVF). Identifiers: Orphanet 98820, MedGen C1858477, MONDO:0020310.

Submission:

Labcorp Genetics (formerly Invitae), Labcorp
Classification: Uncertain significance for Familial focal epilepsy with variable foci. Last evaluated: 2026-01-26. Review status: criteria provided, single submitter. Criteria: Invitae Variant Classification Sherloc (09022015). Collection method: clinical testing. Allele origin: germline.
Comment: This sequence change replaces alanine, which is neutral and non-polar, with serine, which is neutral and polar, at codon 1270 of the DEPDC5 protein (p.Ala1270Ser). This variant is not present in population databases (gnomAD no frequency). This variant has not been reported in the literature in individuals affected with DEPDC5-related conditions. Experimental studies and prediction algorithms are not available or were not evaluated, and the functional significance of this variant is currently unknown. In summary, the available evidence is currently insufficient to determine the role of this variant in disease. Therefore, it has been classified as a Variant of Uncertain Significance.

NM_001242896.3(DEPDC5):c.3808G>T (p.Ala1270Ser)

Gene: DEPDC5 (DEP domain containing 5, GATOR1 subcomplex subunit; plus strand). Cytogenetic location: 22q12.3.
Variant type: single nucleotide variant.
Coding change: c.3808G>T on transcript NM_001242896.3 (MANE Select); coding-DNA position 3808, G replaced by T.
Protein change: p.Ala1270Ser; replaces alanine 1270 with serine.
Molecular consequence: missense variant. On other transcripts: non-coding transcript variant (5).
Genome position (GRCh38, 1-based): chr22:31,879,527, G>T. VCF-style: chr22-31879527-G-T. GRCh37 (hg19) VCF-style: chr22-32275513-G-T.
Other names: c.3781G>T, p.Ala1261Ser (NM_001136029.4); c.3508G>T, p.Ala1170Ser (NM_001242897.2); c.3742G>T, p.Ala1248Ser (NM_001363852.2, NM_001364320.2); c.3574G>T, p.Ala1192Ser (NM_001363854.2, NM_001364319.2); c.3808G>T, p.Ala1270Ser (NM_001364318.2); c.3724G>T, p.Ala1242Ser (NM_001369901.1, NM_001369902.1); c.3715G>T, p.Ala1239Ser (NM_001369903.1, NM_014662.6); short protein forms A1248S, A1170S, A1270S, A1242S, A1192S, A1239S, A1261S.
Identifiers: ClinVar variation 4710441 (VCV004710441.1).